The following is an entry in ClinVar:

ClinVar aggregate classification (germline): Conflicting classifications of pathogenicity. Review status: criteria provided, conflicting classifications (1 of 4 stars). 2 submissions from 2 submitters: Uncertain significance (1); Likely benign (1). Last evaluated 2025-10-17.

Conditions:
Hereditary cancer-predisposing syndrome. Also called: Neoplastic Syndromes, Hereditary; Tumor predisposition; Hereditary neoplastic syndrome; Hereditary Cancer Syndrome. Identifiers: Orphanet 140162, MedGen C0027672, MeSH D009386, MONDO:0015356.
Tuberous sclerosis 1 (TSC1). Identifiers: Orphanet 805, MedGen C1854465, MONDO:0008612, OMIM 191100.

Allele frequency attached by ClinVar (database versions not stated): ExAC 0.00001.

Submissions (2):

Labcorp Genetics (formerly Invitae), Labcorp
Classification: Likely benign for Tuberous sclerosis 1. Last evaluated: 2025-10-17. Review status: criteria provided, single submitter. Criteria: Invitae Variant Classification Sherloc (09022015). Collection method: clinical testing. Allele origin: germline.

Ambry Genetics
Classification: Uncertain significance for Hereditary cancer-predisposing syndrome. Last evaluated: 2025-05-08. Review status: criteria provided, single submitter. Criteria: Ambry Variant Classification Scheme 2023. Collection method: clinical testing. Allele origin: germline.
Comment: The p.D273V variant (also known as c.818A>T), located in coding exon 7 of the TSC1 gene, results from an A to T substitution at nucleotide position 818. The aspartic acid at codon 273 is replaced by valine, an amino acid with highly dissimilar properties. This amino acid position is not well conserved in available vertebrate species. In addition, this alteration is predicted to be deleterious by in silico analysis. Based on the available evidence, the clinical significance of this variant remains unclear.

NM_000368.5(TSC1):c.818A>T (p.Asp273Val)

Gene: TSC1 (TSC complex subunit 1; minus strand). Cytogenetic location: 9q34.13.
Variant type: single nucleotide variant.
Coding change: c.818A>T on transcript NM_000368.5 (MANE Select); coding-DNA position 818, A replaced by T.
Protein change: p.Asp273Val; replaces aspartic acid 273 with valine.
Molecular consequence: missense variant.
Genome position (GRCh38, 1-based): chr9:132,912,377, T>A on the plus strand (A>T on the coding strand, the complement: TSC1 is on the minus strand). VCF-style: chr9-132912377-T-A. GRCh37 (hg19) VCF-style: chr9-135787764-T-A.
Other names: c.455A>T, p.Asp152Val (NM_001406615.1, NM_001406616.1, NM_001406617.1 and 10 more transcripts); c.818A>T, p.Asp273Val (NM_001162426.2, NM_001406592.1, NM_001406593.1 and 16 more transcripts); c.665A>T, p.Asp222Val (NM_001162427.2, NM_001406610.1, NM_001406611.1 and 2 more transcripts); c.-134A>T (NM_001406626.1, NM_001406627.1, NM_001406628.1); c.-276A>T (NM_001406629.1, NM_001406630.1); short protein forms D152V, D222V, D273V.
Identifiers: ClinVar variation 1762341 (VCV001762341.9), dbSNP rs768057796, ClinGen allele CA039075.